The following is an entry in ClinVar:

ClinVar aggregate classification (germline): Benign/Likely benign. Review status: criteria provided, multiple submitters, no conflicts (2 of 4 stars). 3 submissions from 3 submitters: Benign (1); Likely benign (2). Last evaluated 2021-06-19.

Conditions:
Autosomal recessive spinocerebellar ataxia 10. Identifiers: Orphanet 284289, MedGen C3150998, MONDO:0013392, OMIM 613728.

Allele frequency attached by ClinVar (database versions not stated): gnomAD exomes 0.00297; gnomAD 0.02464 and 0.02628; 1000 Genomes Project 0.02536; TOPMed 0.02882; 1000 Genomes Project 30x 0.02983.
gnomAD v4.1: 5,065 of 577,122 alleles (0.88%); highest among the groups gnomAD compares: African/African-American, 8.3%; 210 homozygotes.

Submissions (3):

GeneDx
Classification: Benign. Last evaluated: 2021-06-19. Review status: criteria provided, single submitter. Criteria: GeneDx Variant Classification Process June 2021. Collection method: clinical testing. Allele origin: germline. Affected: yes.

Illumina Laboratory Services, Illumina
Classification: Likely benign for Autosomal recessive spinocerebellar ataxia 10. Last evaluated: 2017-04-28. Review status: criteria provided, single submitter. Criteria: ICSL Variant Classification Criteria 13 December 2019. Collection method: clinical testing. Allele origin: germline.
Comment: This variant was observed as part of a predisposition screen in an ostensibly healthy population. A literature search was performed for the gene, cDNA change, and amino acid change (where applicable). No publications were found based on this search. Allele frequency data from public databases allowed determination this variant is unlikely to cause disease. Therefore, this variant is classified as likely benign.

Breakthrough Genomics
Classification: Likely benign. Review status: criteria provided, single submitter. Criteria: ACMG Guidelines, 2015. Collection method: not provided. Allele origin: germline. Inheritance: Autosomal recessive inheritance. Affected: yes.

NM_018075.5(ANO10):c.*246A>G

Gene: ANO10 (anoctamin 10; minus strand). Cytogenetic location: 3p22.1.
Variant type: single nucleotide variant.
Coding change: c.*246A>G on transcript NM_018075.5 (MANE Select); 246 bases downstream of the stop codon, A replaced by G.
Molecular consequence: 3 prime UTR variant.
Genome position (GRCh38, 1-based): chr3:43,366,660, T>C on the plus strand (A>G on the coding strand, the complement: ANO10 is on the minus strand). VCF-style: chr3-43366660-T-C. GRCh37 (hg19) VCF-style: chr3-43408152-T-C.
Other names: c.*348A>G (NM_001204831.3); c.*246A>G (NM_001204832.3, NM_001204833.3, NM_001204834.3 and 7 more transcripts).
Identifiers: ClinVar variation 345169 (VCV000345169.7), dbSNP rs73831273, ClinGen allele CA10618460.
Genomic context (GRCh38, chr3:43,366,660, plus strand): 5'-CATGGTGAGAGGCTCAAGGGCGGCAGTGGCTCTGCAGCAAAGTTGGCAGCTGGAGCAGCG[T>C]GTGGGGCCCGGGAAGGAACTGGGAAGGAGCAGACAGGGTGGGGCTGGGGGAACTGCCAAG-3'